The following is an entry in ClinVar:

ClinVar aggregate classification (germline): Uncertain significance (1 of 4 stars; one submission).

Conditions:
Inborn genetic diseases. Identifiers: MedGen C0950123, MeSH D030342.

Submission:

Ambry Genetics
Classification: Uncertain significance for Inborn genetic diseases. Last evaluated: 2025-07-03. Review status: criteria provided, single submitter. Criteria: Ambry Variant Classification Scheme 2023. Collection method: clinical testing. Allele origin: germline.
Comment: The p.A329G variant (also known as c.986C>G), located in coding exon 10 of the AKT1 gene, results from a C to G substitution at nucleotide position 986. The alanine at codon 329 is replaced by glycine, an amino acid with similar properties. This amino acid position is conserved. In addition, the in silico prediction for this alteration is inconclusive. Based on the available evidence, the clinical significance of this variant remains unclear.

NM_001382430.1(AKT1):c.986C>G (p.Ala329Gly)

Gene: AKT1 (AKT serine/threonine kinase 1; minus strand). Cytogenetic location: 14q32.33.
Variant type: single nucleotide variant.
Coding change: c.986C>G on transcript NM_001382430.1 (MANE Select); coding-DNA position 986, C replaced by G.
Protein change: p.Ala329Gly; replaces alanine 329 with glycine.
Molecular consequence: missense variant.
Genome position (GRCh38, 1-based): chr14:104,773,064, G>C on the plus strand (C>G on the coding strand, the complement: AKT1 is on the minus strand). VCF-style: chr14-104773064-G-C. GRCh37 (hg19) VCF-style: chr14-105239401-G-C.
Other names: c.986C>G, p.Ala329Gly (NM_001014431.2, NM_001014432.2, NM_001382431.1 and 3 more transcripts); short protein forms A329G.
Identifiers: ClinVar variation 4267551 (VCV004267551.1).